The following is an entry in ClinVar:

ClinVar aggregate classification (germline): Uncertain significance (1 of 4 stars; one submission).

Conditions:
Neuroblastoma, susceptibility to, 3. Also called: ALK-Related Neuroblastic Tumor Susceptibility. Identifiers: Orphanet 635, MedGen C2751681, MONDO:0013083, OMIM 613014.

Allele frequency attached by ClinVar (database versions not stated): gnomAD exomes below 0.00001.
gnomAD v4.1: 1 of 1,613,014 alleles (0.000062%); highest among the groups gnomAD compares: South Asian, 0.0011%; no homozygotes.

Submission:

Labcorp Genetics (formerly Invitae), Labcorp
Classification: Uncertain significance for Neuroblastoma, susceptibility to, 3. Last evaluated: 2018-09-29. Review status: criteria provided, single submitter. Criteria: Invitae Variant Classification Sherloc (09022015). Collection method: clinical testing. Allele origin: germline.
Comment: This sequence change replaces serine with leucine at codon 62 of the ALK protein (p.Ser62Leu). The serine residue is moderately conserved and there is a large physicochemical difference between serine and leucine. This variant is not present in population databases (ExAC no frequency). This variant has not been reported in the literature in individuals with ALK-related disease. Algorithms developed to predict the effect of missense changes on protein structure and function are either unavailable or do not agree on the potential impact of this missense change (SIFT: "Deleterious"; PolyPhen-2: "Probably Damaging"; Align-GVGD: "Class C0"). In summary, the available evidence is currently insufficient to determine the role of this variant in disease. Therefore, it has been classified as a Variant of Uncertain Significance.

NM_004304.5(ALK):c.185C>T (p.Ser62Leu)

Gene: ALK (ALK receptor tyrosine kinase; minus strand). Cytogenetic location: 2p23.1.
Variant type: single nucleotide variant.
Coding change: c.185C>T on transcript NM_004304.5 (MANE Select); coding-DNA position 185, C replaced by T.
Protein change: p.Ser62Leu; replaces serine 62 with leucine.
Molecular consequence: missense variant.
Genome position (GRCh38, 1-based): chr2:29,920,475, G>A on the plus strand (C>T on the coding strand, the complement: ALK is on the minus strand). VCF-style: chr2-29920475-G-A. GRCh37 (hg19) VCF-style: chr2-30143341-G-A.
Other names: short protein forms S62L.
Identifiers: ClinVar variation 641791 (VCV000641791.8), dbSNP rs1572503765, ClinGen allele CA346590526.